The following is an entry in ClinVar:

ClinVar aggregate classification (germline): Likely benign (0 of 4 stars; one submission).

Conditions:
GIGYF2-related disorder. Also called: GIGYF2-related condition.

Allele frequency attached by ClinVar (database versions not stated): gnomAD exomes below 0.00001.

Submission:

PreventionGenetics, part of Exact Sciences
Classification: Likely benign for GIGYF2-related condition. Last evaluated: 2023-06-27. Review status: no assertion criteria provided. Collection method: clinical testing. Allele origin: germline.
Comment: This variant is classified as likely benign based on ACMG/AMP sequence variant interpretation guidelines (Richards et al. 2015 PMID: 25741868, with internal and published modifications).

NM_001103146.3(GIGYF2):c.1640-3T>C

Gene: GIGYF2 (GRB10 interacting GYF protein 2; plus strand). Cytogenetic location: 2q37.1.
Variant type: single nucleotide variant.
Coding change: c.1640-3T>C on transcript NM_001103146.3 (MANE Select); 3 bases into the intron before coding-DNA position 1640, T replaced by C.
Molecular consequence: intron variant.
Genome position (GRCh38, 1-based): chr2:232,806,488, T>C. VCF-style: chr2-232806488-T-C. GRCh37 (hg19) VCF-style: chr2-233671198-T-C.
Other names: c.1640-3T>C (NM_015575.4); c.1703-3T>C (NM_001103147.2); c.1622-3T>C (NM_001103148.2).
Identifiers: ClinVar variation 3061686 (VCV003061686.2), dbSNP rs2469905390, ClinGen allele CA2663643750.